The following is an entry in ClinVar:

ClinVar aggregate classification (germline): Pathogenic (1 of 4 stars; one submission).

Conditions:
DICER1-related tumor predisposition. Also called: DICER1-related pleuropulmonary blastoma cancer predisposition syndrome; DICER1 syndrome. Identifiers: Orphanet 284343, MedGen C3839822, MONDO:0100216.

Allele frequency attached by ClinVar (database versions not stated): gnomAD exomes below 0.00001.
gnomAD v4.1: 1 of 1,613,160 alleles (0.000062%); highest among the groups gnomAD compares: Admixed American, 0.0017%; no homozygotes.

Submission:

Foulkes Cancer Genetics LDI, Lady Davis Institute for Medical Research
Classification: Pathogenic for Pleuropulmonary blastoma. Last evaluated: 2019-07-01. Review status: criteria provided, single submitter. Criteria: ACMG Guidelines, 2015. Collection method: curation. Allele origin: somatic. Affected: yes. Observed: 1 variant allele.
Comment: ACMG criteria met: PVS1, PM1, PM2

Literature cited by the submitters: PubMed 30649606.

NM_177438.3(DICER1):c.2436+1G>A

Gene: DICER1 (dicer 1, ribonuclease III; minus strand). Cytogenetic location: 14q32.13.
Variant type: single nucleotide variant.
Coding change: c.2436+1G>A on transcript NM_177438.3 (MANE Select); the canonical splice donor site of the intron after coding-DNA position 2436, G replaced by A.
Molecular consequence: splice donor variant.
Genome position (GRCh38, 1-based): chr14:95,108,323, C>T on the plus strand (G>A on the coding strand, the complement: DICER1 is on the minus strand). VCF-style: chr14-95108323-C-T. GRCh37 (hg19) VCF-style: chr14-95574660-C-T.
Other names: c.2436+1G>A (NM_001291628.2, NM_030621.4, NM_001395677.1 and 12 more transcripts); c.2031+1G>A (NM_001395690.1, NM_001395687.1, NM_001395689.1 and 2 more transcripts); c.2154+1G>A (NM_001395686.1); c.1869+1G>A (NM_001395691.1); c.753+1G>A (NM_001395697.1).
Identifiers: ClinVar variation 933015 (VCV000933015.3), dbSNP rs1595381795, ClinGen allele CA390882045.